The following is an entry in ClinVar:

ClinVar aggregate classification (germline): Uncertain significance. Review status: criteria provided, multiple submitters, no conflicts (2 of 4 stars). 2 submissions from 2 submitters: Uncertain significance (2). Last evaluated 2025-11-12.

Conditions:
Inborn genetic diseases. Identifiers: MedGen C0950123, MeSH D030342.

Allele frequency attached by ClinVar (database versions not stated): gnomAD 0.00001; ESP Exome Variant Server 0.00008.
gnomAD v4.1: 3 of 1,614,080 alleles (0.00019%); highest among the groups gnomAD compares: Non-Finnish European, 0.00025%; no homozygotes.

Submissions (2):

Ambry Genetics
Classification: Uncertain significance for Inborn genetic diseases. Last evaluated: 2025-11-12. Review status: criteria provided, single submitter. Criteria: Ambry Variant Classification Scheme 2023. Collection method: clinical testing. Allele origin: germline.

Labcorp Genetics (formerly Invitae), Labcorp
Classification: Uncertain significance. Last evaluated: 2025-10-01. Review status: criteria provided, single submitter. Criteria: Invitae Variant Classification Sherloc (09022015). Collection method: clinical testing. Allele origin: germline.
Comment: This sequence change replaces threonine, which is neutral and polar, with isoleucine, which is neutral and non-polar, at codon 78 of the SMOC1 protein (p.Thr78Ile). This variant is not present in population databases (gnomAD no frequency). This variant has not been reported in the literature in individuals affected with SMOC1-related conditions. ClinVar contains an entry for this variant (Variation ID: 1926785). Invitae Evidence Modeling of protein sequence and biophysical properties (such as structural, functional, and spatial information, amino acid conservation, physicochemical variation, residue mobility, and thermodynamic stability) indicates that this missense variant is not expected to disrupt SMOC1 protein function with a negative predictive value of 80%. In summary, the available evidence is currently insufficient to determine the role of this variant in disease. Therefore, it has been classified as a Variant of Uncertain Significance.

NM_001034852.3(SMOC1):c.233C>T (p.Thr78Ile)

Gene: SMOC1 (SPARC related modular calcium binding 1; plus strand). Cytogenetic location: 14q24.2.
Variant type: single nucleotide variant.
Coding change: c.233C>T on transcript NM_001034852.3 (MANE Select); coding-DNA position 233, C replaced by T.
Protein change: p.Thr78Ile; replaces threonine 78 with isoleucine.
Molecular consequence: missense variant.
Genome position (GRCh38, 1-based): chr14:69,952,271, C>T. VCF-style: chr14-69952271-C-T. GRCh37 (hg19) VCF-style: chr14-70418988-C-T.
Other names: c.233C>T (NM_001034852.2); c.233C>T, p.Thr78Ile (NM_022137.6); short protein forms T78I.
Identifiers: ClinVar variation 1926785 (VCV001926785.6), dbSNP rs374215435, ClinGen allele CA263008641.